The following is an entry in ClinVar:

NM_000455.5(STK11):c.1098C>A (p.Phe366Leu)

Genes: STK11 (serine/threonine kinase 11; plus strand), LOC130062899 (ATAC-STARR-seq lymphoblastoid active region 13597; plus strand). Cytogenetic location: 19p13.3.
Variant type: single nucleotide variant.
Coding change: c.1098C>A on transcript NM_000455.5 (MANE Select); coding-DNA position 1098, C replaced by A.
Protein change: p.Phe366Leu; replaces phenylalanine 366 with leucine.
Molecular consequence: missense variant. On other transcripts: non-coding transcript variant (1).
Genome position (GRCh38, 1-based): chr19:1,223,162, C>A. VCF-style: chr19-1223162-C-A. GRCh37 (hg19) VCF-style: chr19-1223161-C-A.
Other names: c.1098C>A, p.Phe366Leu (NM_001407255.1); short protein forms F366L.
Identifiers: ClinVar variation 3780670 (VCV003780670.2).

ClinVar aggregate classification (germline): Uncertain significance. Review status: criteria provided, multiple submitters, no conflicts (2 of 4 stars). 2 submissions from 2 submitters: Uncertain significance (2). Last evaluated 2025-03-22.

Conditions:
Peutz-Jeghers syndrome (PJS). Also called: POLYPOSIS, HAMARTOMATOUS INTESTINAL; POLYPS-AND-SPOTS SYNDROME; Peutz-Jeghers polyposis; Periorificial lentiginosis syndrome. Identifiers: Orphanet 2869, MedGen C0031269, MeSH D010580, MONDO:0008280, OMIM 175200.
Hereditary cancer-predisposing syndrome. Also called: Hereditary Cancer Syndrome; Hereditary neoplastic syndrome; Tumor predisposition; Neoplastic Syndromes, Hereditary. Identifiers: Orphanet 140162, MedGen C0027672, MeSH D009386, MONDO:0015356.

Submissions (2):

Ambry Genetics
Classification: Uncertain significance for Hereditary cancer-predisposing syndrome. Last evaluated: 2025-03-22. Review status: criteria provided, single submitter. Criteria: Ambry Variant Classification Scheme 2023. Collection method: clinical testing. Allele origin: germline.
Comment: The p.F366L variant (also known as c.1098C>A), located in coding exon 8 of the STK11 gene, results from a C to A substitution at nucleotide position 1098. The phenylalanine at codon 366 is replaced by leucine, an amino acid with highly similar properties. This amino acid position is conserved. In addition, the in silico prediction for this alteration is inconclusive. Based on the available evidence, the clinical significance of this variant remains unclear.

Department of Pathology and Laboratory Medicine, Sinai Health System
Classification: Uncertain significance for Peutz-Jeghers syndrome. Last evaluated: 2024-01-08. Review status: criteria provided, single submitter. Criteria: ACMG Guidelines, 2015. Collection method: clinical testing. Allele origin: germline. Affected: yes.